The following is an entry in ClinVar:

NM_001164665.2(KIAA1549):c.2209C>A (p.Leu737Met)

Gene: KIAA1549 (KIAA1549; minus strand). Cytogenetic location: 7q34.
Variant type: single nucleotide variant.
Coding change: c.2209C>A on transcript NM_001164665.2 (MANE Select); coding-DNA position 2209, C replaced by A.
Protein change: p.Leu737Met; replaces leucine 737 with methionine.
Molecular consequence: missense variant.
Genome position (GRCh38, 1-based): chr7:138,917,417, G>T on the plus strand (C>A on the coding strand, the complement: KIAA1549 is on the minus strand). VCF-style: chr7-138917417-G-T. GRCh37 (hg19) VCF-style: chr7-138602163-G-T.
Other names: c.2209C>A, p.Leu737Met (NM_020910.3); short protein forms L737M.
Identifiers: ClinVar variation 1998258 (VCV001998258.4), dbSNP rs1456717627, ClinGen allele CA369393815.

ClinVar aggregate classification (germline): Uncertain significance (1 of 4 stars; one submission).

Submission:

Labcorp Genetics (formerly Invitae), Labcorp
Classification: Uncertain significance. Last evaluated: 2022-05-24. Review status: criteria provided, single submitter. Criteria: Invitae Variant Classification Sherloc (09022015). Collection method: clinical testing. Allele origin: germline.
Comment: In summary, the available evidence is currently insufficient to determine the role of this variant in disease. Therefore, it has been classified as a Variant of Uncertain Significance. Algorithms developed to predict the effect of missense changes on protein structure and function are either unavailable or do not agree on the potential impact of this missense change (SIFT: "Tolerated"; PolyPhen-2: "Possibly Damaging"; Align-GVGD: "Class C0"). This variant has not been reported in the literature in individuals affected with KIAA1549-related conditions. This variant is not present in population databases (gnomAD no frequency). This sequence change replaces leucine, which is neutral and non-polar, with methionine, which is neutral and non-polar, at codon 737 of the KIAA1549 protein (p.Leu737Met).